The following is an entry in ClinVar:

ClinVar aggregate classification (germline): Conflicting classifications of pathogenicity. Review status: criteria provided, conflicting classifications (1 of 4 stars). 5 submissions from 5 submitters: Uncertain significance (3); Likely benign (2). Last evaluated 2025-04-09.

Allele frequency attached by ClinVar (database versions not stated): gnomAD exomes below 0.00001 and 0.00002; ExAC 0.00001; gnomAD 0.00001; TOPMed 0.00001.
gnomAD v4.1: 13 of 1,612,746 alleles (0.00081%); highest among the groups gnomAD compares: Non-Finnish European, 0.0011%; no homozygotes.

Submissions (5):

Molecular Diagnostic Laboratory for Inherited Cardiovascular Disease, Montreal Heart Institute
Classification: Likely benign. Last evaluated: 2025-04-09. Review status: criteria provided, single submitter. Criteria: ACMG Guidelines, 2015. Collection method: clinical testing. Allele origin: germline. Affected: no.

Blueprint Genetics
Classification: Likely benign. Last evaluated: 2023-12-21. Review status: criteria provided, single submitter. Criteria: ACMG Guidelines, 2015. Collection method: clinical testing. Allele origin: germline.

Revvity Omics, Revvity
Classification: Uncertain significance. Last evaluated: 2023-09-06. Review status: criteria provided, single submitter. Criteria: ACMG Guidelines, 2015. Collection method: clinical testing. Allele origin: germline.

Women's Health and Genetics/Laboratory Corporation of America, LabCorp
Classification: Uncertain significance. Last evaluated: 2023-08-08. Review status: criteria provided, single submitter. Criteria: LabCorp Variant Classification Summary - May 2015. Collection method: clinical testing. Allele origin: germline.
Comment: Variant summary: TTN c.16901A>C (p.Glu5634Ala) results in a non-conservative amino acid change located in the I-band region of the encoded protein sequence. Three of four in-silico tools predict a damaging effect of the variant on protein function. The variant allele was found at a frequency of 4e-06 in 247616 control chromosomes. The available data on variant occurrences in the general population are insufficient to allow any conclusion about variant significance. To our knowledge, no occurrence of c.16901A>C in individuals affected with Dilated Cardiomyopathy and no experimental evidence demonstrating its impact on protein function have been reported. Two submitters have cited clinical-significance assessments for this variant to ClinVar after 2014. Both submitters classified the variant as uncertain significance. Based on the evidence outlined above, the variant was classified as uncertain significance.

Genetic Services Laboratory, University of Chicago
Classification: Uncertain significance. Last evaluated: 2016-01-22. Review status: criteria provided, single submitter. Criteria: ACMG Guidelines, 2015. Collection method: clinical testing. Allele origin: germline. Affected: no.

NM_001267550.2(TTN):c.20633A>C (p.Glu6878Ala)

Gene: TTN (titin; minus strand). Cytogenetic location: 2q31.2.
Variant type: single nucleotide variant.
Coding change: c.20633A>C on transcript NM_001267550.2 (MANE Select); coding-DNA position 20633, A replaced by C.
Protein change: p.Glu6878Ala; replaces glutamic acid 6878 with alanine.
Molecular consequence: missense variant. On other transcripts: intron variant (3).
Genome position (GRCh38, 1-based): chr2:178,725,571, T>G on the plus strand (A>C on the coding strand, the complement: TTN is on the minus strand). VCF-style: chr2-178725571-T-G. GRCh37 (hg19) VCF-style: chr2-179590298-T-G.
Other names: c.19682A>C, p.Glu6561Ala (NM_001256850.1); c.16901A>C, p.Glu5634Ala (NM_133378.4); c.13282+12511A>C (NM_003319.4); c.13858+12511A>C (NM_133437.4); c.13657+12511A>C (NM_133432.3); short protein forms E5634A, E6878A, E6561A.
Identifiers: ClinVar variation 437111 (VCV000437111.12), dbSNP rs752107739, ClinGen allele CA2001177.